The following is an entry in ClinVar:

GRCh38/hg38 1q21.1-21.2(chr1:146987841-148436984)x1

Genes: ACP6 (acid phosphatase 6, lysophosphatidic; minus strand), BCL9 (BCL9 transcription coactivator; plus strand), CHD1L (chromodomain helicase DNA binding protein 1 like; plus strand), FMO5 (flavin containing dimethylaniline monoxygenase 5; minus strand), GJA5 (gap junction protein alpha 5; minus strand) and 53 more. Cytogenetic location: 1q21.1-21.2.
Variant type: copy number loss.
Change: copy number 1 (one copy instead of two) of chr1:146,987,841-148,436,984 (1.45 Mb, GRCh38 coordinates, 1-based), cytogenetic band 1q21.1-21.2.
Identifiers: ClinVar variation 160926 (VCV000160926.1).

ClinVar aggregate classification (germline): Pathogenic. Review status: criteria provided, multiple submitters, no conflicts (2 of 4 stars). 3 submissions from 3 submitters: Pathogenic (3). Last evaluated 2011-08-12.

Submissions (3):

ISCA site 14
Classification: Pathogenic. Last evaluated: 2011-08-12. Review status: criteria provided, single submitter. Criteria: Kaminsky et al. (Genet Med. 2011). Collection method: clinical testing. Allele origin: paternal. Affected: yes. Observed: 1 variant allele.
Comment: Copy number variation identified through the course of routine clinical cytogenomic testing in postnatal populations. Clinical assertions have been curated as described in Kaminsky et al. 2011.

ISCA site 17
Classification: Pathogenic. Last evaluated: 2011-08-12. Review status: criteria provided, single submitter. Criteria: Kaminsky et al. (Genet Med. 2011). Collection method: clinical testing. Allele origin: unknown. Affected: yes. Observed: 3 variant alleles. Clinical features observed: Global developmental delay (HP:0001263), Developmental delay AND/OR other significant developmental or morphological phenotypes.
Comment: the same text as in the submission from ISCA site 14 above.

ISCA site 4
Classification: Pathogenic. Last evaluated: 2011-08-12. Review status: criteria provided, single submitter. Criteria: Kaminsky et al. (Genet Med. 2011). Collection method: clinical testing. Allele origin: unknown. Affected: yes. Observed: 2 variant alleles.
Comment: the same text as in the submission from ISCA site 14 above.